The following is an entry in ClinVar:

NM_001365088.1(SLC12A6):c.2893dup (p.Tyr965fs)

Gene: SLC12A6 (solute carrier family 12 member 6; minus strand). Cytogenetic location: 15q14.
Variant type: Duplication.
Coding change: c.2893dup on transcript NM_001365088.1 (MANE Select); coding-DNA position 2893, one base duplicated (T; older notation c.2893dupT).
Protein change: p.Tyr965fs; shifts the reading frame from tyrosine 965.
Molecular consequence: frameshift variant.
Genome position (GRCh38, 1-based): chr15:34,237,460, A duplicated on the plus strand (T on the coding strand, the reverse complement: SLC12A6 is on the minus strand). VCF-style (leftmost placement, unchanged base first): chr15-34237459-T-TA. GRCh37 (hg19) VCF-style: chr15-34529660-T-TA.
Other names: c.2716dup, p.Tyr906fs (NM_001042494.2, NM_001042495.2); c.2866dup, p.Tyr956fs (NM_001042496.2); c.2848dup, p.Tyr950fs (NM_001042497.2); c.2740dup, p.Tyr914fs (NM_005135.2); c.2893dup, p.Tyr965fs (NM_133647.2); c.2893dup (NM_133647.1); short protein forms Y914fs, Y956fs, Y950fs, Y965fs, Y906fs.
Identifiers: ClinVar variation 1388798 (VCV001388798.7), dbSNP rs1275422176, ClinGen allele CA712275879.

ClinVar aggregate classification (germline): Pathogenic/Likely pathogenic. Review status: criteria provided, multiple submitters, no conflicts (2 of 4 stars). 2 submissions from 2 submitters: Pathogenic (1); Likely pathogenic (1). Last evaluated 2024-08-11.

Conditions:
Agenesis of the corpus callosum with peripheral neuropathy (ACCPN). Also called: Hereditary Motor and Sensory Neuropathy with Agenesis of the Corpus Callosum; POLYNEUROPATHY, SENSORIMOTOR, WITH OR WITHOUT AGENESIS OF THE CORPUS CALLOSUM; CHARLEVOIX DISEASE; HMSN/ACC. Identifiers: Orphanet 1496, MedGen C0795950, MONDO:0000902, OMIM 218000. Disease mechanism: loss of function.

Allele frequency attached by ClinVar (database versions not stated): TOPMed below 0.00001.

Submissions (2):

Natera, Inc.
Classification: Likely pathogenic for Andermann syndrome. Last evaluated: 2024-08-11. Review status: criteria provided, single submitter. Criteria: Natera Variant Classification Schema (03/2026). Collection method: clinical testing. Allele origin: germline.
Comment: The c.2893dup variant in SLC12A6 is a frameshift variant predicted to shift the reading frame beginning at codon 965 and leads to a stop codon 6 codons downstream. This variant is expected to result in nonsense mediated decay, truncation, or a dysfunctional protein product. This variant is rare in the general population with a frequency below the threshold expected for the associated phenotype(s). Given the available evidence, this variant is classified as Likely Pathogenic.

Labcorp Genetics (formerly Invitae), Labcorp
Classification: Pathogenic. Last evaluated: 2021-11-14. Review status: criteria provided, single submitter. Criteria: Invitae Variant Classification Sherloc (09022015). Collection method: clinical testing. Allele origin: germline.
Comment: This sequence change creates a premature translational stop signal (p.Tyr965Leufs*6) in the SLC12A6 gene. It is expected to result in an absent or disrupted protein product. Loss-of-function variants in SLC12A6 are known to be pathogenic (PMID: 12368912, 16606917). This variant is not present in population databases (gnomAD no frequency). This variant has not been reported in the literature in individuals affected with SLC12A6-related conditions. For these reasons, this variant has been classified as Pathogenic.

Literature cited by the submitters: PubMed 12368912 (cited by Labcorp Genetics (formerly Invitae), Labcorp); PubMed 16606917 (cited by Labcorp Genetics (formerly Invitae), Labcorp).